The following is an entry in ClinVar:

ClinVar aggregate classification (germline): Uncertain significance (1 of 4 stars; one submission).

Conditions:
Baller-Gerold syndrome (BGS). Also called: CRANIOSYNOSTOSIS WITH RADIAL DEFECTS. Identifiers: Orphanet 1225, MedGen C0265308, MONDO:0009039, OMIM 218600.

Submission:

Labcorp Genetics (formerly Invitae), Labcorp
Classification: Uncertain significance for Baller-Gerold syndrome. Last evaluated: 2019-02-11. Review status: criteria provided, single submitter. Criteria: Invitae Variant Classification Sherloc (09022015). Collection method: clinical testing. Allele origin: germline.
Comment: In summary, the available evidence is currently insufficient to determine the role of this variant in disease. Therefore, it has been classified as a Variant of Uncertain Significance. Nucleotide substitutions within the consensus splice site are a relatively common cause of aberrant splicing (PMID: 17576681, 9536098). Algorithms developed to predict the effect of sequence changes on RNA splicing suggest that this variant is not likely to affect RNA splicing, but this prediction has not been confirmed by published transcriptional studies. This variant has not been reported in the literature in individuals with RECQL4-related conditions. This variant is not present in population databases (ExAC no frequency). This sequence change falls in intron 9 of the RECQL4 gene. It does not directly change the encoded amino acid sequence of the RECQL4 protein, but it affects a nucleotide within the consensus splice site of the intron.

Literature cited by the submitters: PubMed 17576681; PubMed 9536098.

NM_004260.4(RECQL4):c.1620+3G>C

Gene: RECQL4 (RecQ like helicase 4; minus strand). Cytogenetic location: 8q24.3.
Variant type: single nucleotide variant.
Coding change: c.1620+3G>C on transcript NM_004260.4 (MANE Select); 3 bases into the intron after coding-DNA position 1620, G replaced by C.
Molecular consequence: intron variant.
Genome position (GRCh38, 1-based): chr8:144,514,933, C>G on the plus strand (G>C on the coding strand, the complement: RECQL4 is on the minus strand). VCF-style: chr8-144514933-C-G. GRCh37 (hg19) VCF-style: chr8-145740317-C-G.
Identifiers: ClinVar variation 835686 (VCV000835686.6), dbSNP rs1827929677, ClinGen allele CA916083023.